The following is an entry in ClinVar:

NM_006947.4(SRP72):c.1282G>T (p.Val428Phe)

Gene: SRP72 (signal recognition particle 72; plus strand). Cytogenetic location: 4q12.
Variant type: single nucleotide variant.
Coding change: c.1282G>T on transcript NM_006947.4 (MANE Select); coding-DNA position 1282, G replaced by T.
Protein change: p.Val428Phe; replaces valine 428 with phenylalanine.
Molecular consequence: missense variant. On other transcripts: non-coding transcript variant (1).
Genome position (GRCh38, 1-based): chr4:56,489,445, G>T. VCF-style: chr4-56489445-G-T. GRCh37 (hg19) VCF-style: chr4-57355611-G-T.
Other names: c.1282G>T (NM_006947.3); c.1099G>T, p.Val367Phe (NM_001267722.2); short protein forms V367F, V428F.
Identifiers: ClinVar variation 2776917 (VCV002776917.7), dbSNP rs1444933205, ClinGen allele CA357001207.

ClinVar aggregate classification (germline): Uncertain significance. Review status: criteria provided, multiple submitters, no conflicts (2 of 4 stars). 4 submissions from 4 submitters: Uncertain significance (4). Last evaluated 2025-06-17.

Conditions:
Autosomal dominant aplasia and myelodysplasia. Also called: Bone marrow failure syndrome 1. Identifiers: Orphanet 314399, MedGen C3808553, MONDO:0013851, OMIM 614675.

Allele frequency attached by ClinVar (database versions not stated): gnomAD exomes below 0.00001; TOPMed below 0.00001.
gnomAD v4.1: 3 of 1,601,440 alleles (0.00019%); highest among the groups gnomAD compares: Non-Finnish European, 0.00017%; no homozygotes.

Submissions (4):

St. Jude Molecular Pathology, St. Jude Children's Research Hospital
Classification: Uncertain significance for Autosomal dominant aplasia and myelodysplasia. Last evaluated: 2025-06-17. Review status: criteria provided, single submitter. Criteria: St. Jude Assertion Criteria 2020. Collection method: clinical testing. Allele origin: germline.
Comment: The SRP72 c.1282G>T (p.Val428Phe) missense change has a maximum subpopulation frequency of 0.016% in gnomAD v2.1.1. The in silico tool REVEL predicts a deleterious effect on protein function, but to our knowledge this prediction has not been confirmed by functional studies. To our knowledge, this variant has not been reported in individuals with SRP72-associated bone marrow failure. In summary, the evidence currently available is insufficient to determine the clinical significance of this variant. It has therefore been classified as of uncertain significance.

Ambry Genetics
Classification: Uncertain significance. Last evaluated: 2024-11-23. Review status: criteria provided, single submitter. Criteria: Ambry Variant Classification Scheme 2023. Collection method: clinical testing. Allele origin: germline.
Comment: The p.V428F variant (also known as c.1282G>T), located in coding exon 13 of the SRP72 gene, results from a G to T substitution at nucleotide position 1282. The valine at codon 428 is replaced by phenylalanine, an amino acid with highly similar properties. This amino acid position is conserved. In addition, this alteration is predicted to be deleterious by in silico analysis. Based on the available evidence, the clinical significance of this variant remains unclear.

Labcorp Genetics (formerly Invitae), Labcorp
Classification: Uncertain significance. Last evaluated: 2023-06-27. Review status: criteria provided, single submitter. Criteria: Invitae Variant Classification Sherloc (09022015). Collection method: clinical testing. Allele origin: germline.
Comment: This sequence change replaces valine, which is neutral and non-polar, with phenylalanine, which is neutral and non-polar, at codon 428 of the SRP72 protein (p.Val428Phe). This variant is present in population databases (no rsID available, gnomAD no frequency). This variant has not been reported in the literature in individuals affected with SRP72-related conditions. Advanced modeling of protein sequence and biophysical properties (such as structural, functional, and spatial information, amino acid conservation, physicochemical variation, residue mobility, and thermodynamic stability) performed at Invitae indicates that this missense variant is not expected to disrupt SRP72 protein function. In summary, the available evidence is currently insufficient to determine the role of this variant in disease. Therefore, it has been classified as a Variant of Uncertain Significance.

Blueprint Genetics
Classification: Uncertain significance. Last evaluated: 2020-05-25. Review status: criteria provided, single submitter. Criteria: ACMG Guidelines, 2015. Collection method: clinical testing. Allele origin: germline.